The following is an entry in ClinVar:

NM_007078.3(LDB3):c.688G>A (p.Gly230Arg)

Gene: LDB3 (LIM domain binding 3; plus strand). Cytogenetic location: 10q23.2.
Variant type: single nucleotide variant.
Coding change: c.688G>A on transcript NM_007078.3 (MANE Select); coding-DNA position 688, G replaced by A.
Protein change: p.Gly230Arg; replaces glycine 230 with arginine.
Molecular consequence: missense variant. On other transcripts: intron variant (5).
Genome position (GRCh38, 1-based): chr10:86,681,802, G>A. VCF-style: chr10-86681802-G-A. GRCh37 (hg19) VCF-style: chr10-88441559-G-A.
Other names: c.688G>A, p.Gly230Arg (NM_001080115.2, NM_001368063.1, NM_001368064.1 and 1 more transcripts); c.688G>A, p.Gly230Ser (NM_001171610.2, NM_001171611.2); c.321+1645G>A (NM_001368068.1, NM_001368066.1, NM_001080114.2 and 2 more transcripts); short protein forms G230R, G230S.
Identifiers: ClinVar variation 1755990 (VCV001755990.2), dbSNP rs1454773645, ClinGen allele CA377455777.
Genomic context (GRCh38, chr10:86,681,802, plus strand): 5'-ATGGCTCAGATGTACCAGATGAGCCTCCGAGGGAAGGCCTCGGGTGTCGGACTCCCAGGA[G>A]GGTAGGTAACGGACATACAGCTCTCCACAGGTGGCCTGGGCCACCTGGGTCCTCGGTGCT-3'
Protein context (NP_009009.1, residues 220-240): GKASGVGLPG[Gly230Arg]SLPIKDLAVD

ClinVar aggregate classification (germline): Uncertain significance (1 of 4 stars; one submission).

Conditions:
Cardiovascular phenotype. Identifiers: MedGen CN230736.

Allele frequency attached by ClinVar (database versions not stated): gnomAD exomes below 0.00001; gnomAD 0.00001.
gnomAD v4.1: 2 of 1,592,650 alleles (0.00013%); highest among the groups gnomAD compares: African/African-American, 0.0013%; no homozygotes.

Submission:

Ambry Genetics
Classification: Uncertain significance for Cardiovascular phenotype. Last evaluated: 2020-03-09. Review status: criteria provided, single submitter. Criteria: Ambry Variant Classification Scheme 2023. Collection method: clinical testing. Allele origin: germline.
Comment: The p.G230R variant (also known as c.688G>A), located in coding exon 4 of the LDB3 gene, results from a G to A substitution at nucleotide position 688. The glycine at codon 230 is replaced by arginine, an amino acid with dissimilar properties. This amino acid position is highly conserved in available vertebrate species. In addition, the in silico prediction for this alteration is inconclusive. Since supporting evidence is limited at this time, the clinical significance of this alteration remains unclear.